The following is an entry in ClinVar:

ClinVar aggregate classification (germline): Uncertain significance (1 of 4 stars; one submission).

Conditions:
Dilated cardiomyopathy 1J (CMD1J). Also called: CARDIOMYOPATHY, DILATED, WITH SENSORINEURAL HEARING LOSS, AUTOSOMAL DOMINANT. Identifiers: Orphanet 217622, MedGen C1854368, MONDO:0011541, OMIM 605362.

Allele frequency attached by ClinVar (database versions not stated): gnomAD exomes 0.00001.
gnomAD v4.1: 5 of 1,614,080 alleles (0.00031%); highest among the groups gnomAD compares: Non-Finnish European, 0.00042%; no homozygotes.

Submission:

Labcorp Genetics (formerly Invitae), Labcorp
Classification: Uncertain significance for Dilated cardiomyopathy 1J. Last evaluated: 2024-05-11. Review status: criteria provided, single submitter. Criteria: Invitae Variant Classification Sherloc (09022015). Collection method: clinical testing. Allele origin: germline.
Comment: This sequence change replaces asparagine, which is neutral and polar, with serine, which is neutral and polar, at codon 493 of the EYA4 protein (p.Asn493Ser). This variant is not present in population databases (gnomAD no frequency). This variant has not been reported in the literature in individuals affected with EYA4-related conditions. ClinVar contains an entry for this variant (Variation ID: 1941376). Advanced modeling of protein sequence and biophysical properties (such as structural, functional, and spatial information, amino acid conservation, physicochemical variation, residue mobility, and thermodynamic stability) performed at Invitae indicates that this missense variant is not expected to disrupt EYA4 protein function with a negative predictive value of 80%. In summary, the available evidence is currently insufficient to determine the role of this variant in disease. Therefore, it has been classified as a Variant of Uncertain Significance.

NM_004100.5(EYA4):c.1478A>G (p.Asn493Ser)

Genes: EYA4 (EYA transcriptional coactivator and phosphatase 4; plus strand), TARID (TCF21 antisense RNA inducing promoter demethylation; minus strand). Cytogenetic location: 6q23.2.
Variant type: single nucleotide variant.
Coding change: c.1478A>G on transcript NM_004100.5 (MANE Select); coding-DNA position 1478, A replaced by G.
Protein change: p.Asn493Ser; replaces asparagine 493 with serine.
Molecular consequence: missense variant.
Genome position (GRCh38, 1-based): chr6:133,513,015, A>G. VCF-style: chr6-133513015-A-G. GRCh37 (hg19) VCF-style: chr6-133834153-A-G.
Other names: c.1316A>G, p.Asn439Ser (NM_001301012.2); c.1496A>G, p.Asn499Ser (NM_001301013.2); c.1409A>G, p.Asn470Ser (NM_001370458.1, NM_172103.4); c.1334A>G, p.Asn445Ser (NM_001370459.1); c.1478A>G, p.Asn493Ser (NM_172105.4); short protein forms N445S, N499S, N493S, N439S, N470S.
Identifiers: ClinVar variation 1941376 (VCV001941376.5), dbSNP rs2535341859, ClinGen allele CA365715517.